The following is an entry in ClinVar:

ClinVar aggregate classification (germline): Uncertain significance (1 of 4 stars; one submission).

Submission:

Labcorp Genetics (formerly Invitae), Labcorp
Classification: Uncertain significance. Last evaluated: 2024-02-02. Review status: criteria provided, single submitter. Criteria: Invitae Variant Classification Sherloc (09022015). Collection method: clinical testing. Allele origin: germline.
Comment: This sequence change replaces histidine, which is basic and polar, with aspartic acid, which is acidic and polar, at codon 569 of the POC5 protein (p.His569Asp). This variant is not present in population databases (gnomAD no frequency). This variant has not been reported in the literature in individuals affected with POC5-related conditions. An algorithm developed to predict the effect of missense changes on protein structure and function (PolyPhen-2) suggests that this variant is likely to be tolerated. In summary, the available evidence is currently insufficient to determine the role of this variant in disease. Therefore, it has been classified as a Variant of Uncertain Significance.

NM_001099271.2(POC5):c.1705C>G (p.His569Asp)

Gene: POC5 (POC5 centriolar protein; minus strand). Cytogenetic location: 5q13.3.
Variant type: single nucleotide variant.
Coding change: c.1705C>G on transcript NM_001099271.2 (MANE Select); coding-DNA position 1705, C replaced by G.
Protein change: p.His569Asp; replaces histidine 569 with aspartic acid.
Molecular consequence: missense variant.
Genome position (GRCh38, 1-based): chr5:75,674,458, G>C on the plus strand (C>G on the coding strand, the complement: POC5 is on the minus strand). VCF-style: chr5-75674458-G-C. GRCh37 (hg19) VCF-style: chr5-74970283-G-C.
Other names: c.1630C>G, p.His544Asp (NM_152408.3); short protein forms H569D, H544D.
Identifiers: ClinVar variation 3690230 (VCV003690230.2).